The following is an entry in ClinVar:

NM_032977.4(CASP10):c.775G>A (p.Ala259Thr)

Gene: CASP10 (caspase 10; plus strand). Cytogenetic location: 2q33.1.
Variant type: single nucleotide variant.
Coding change: c.775G>A on transcript NM_032977.4 (MANE Select); coding-DNA position 775, G replaced by A.
Protein change: p.Ala259Thr; replaces alanine 259 with threonine.
Molecular consequence: missense variant. On other transcripts: intron variant (4).
Genome position (GRCh38, 1-based): chr2:201,205,935, G>A. VCF-style: chr2-201205935-G-A. GRCh37 (hg19) VCF-style: chr2-202070658-G-A.
Other names: c.775G>A (NM_032977.3); c.775G>A, p.Ala259Thr (NM_032974.5); c.685-2140G>A (NM_001206542.2, NM_001230.5); c.722-2140G>A (NM_032976.4); c.721+2169G>A (NM_001206524.2); short protein forms A259T.
Identifiers: ClinVar variation 1439005 (VCV001439005.7), dbSNP rs1200629345, ClinGen allele CA350284170.
Genomic context (GRCh38, chr2:201,205,935, plus strand): 5'-TTTCTAGGTAACAGAGCCACAAATGGTGCACCAAGCCTGGTCTCCAGGGGGATGCAAGGA[G>A]CATCTGCTAACACTCTAAACTCTGAAACCAGCACAAAGGTCTGGATGGTTTCTTTTATTC-3'
Protein context (NP_116759.2, residues 249-269): PSLVSRGMQG[Ala259Thr]SANTLNSETS

ClinVar aggregate classification (germline): Uncertain significance. Review status: criteria provided, multiple submitters, no conflicts (2 of 4 stars). 2 submissions from 2 submitters: Uncertain significance (2). Last evaluated 2025-08-06.

Conditions:
Autoimmune lymphoproliferative syndrome type 2A (ALPS2A). Also called: CASP10-Related Autoimmune Lymphoproliferative Syndrome; AUTOIMMUNE LYMPHOPROLIFERATIVE SYNDROME, TYPE IIA; Autoimmune lymphoproliferative syndrome type 2. Identifiers: Orphanet 3261, MedGen C1858968, MONDO:0011383, OMIM 603909.

Allele frequency attached by ClinVar (database versions not stated): gnomAD exomes below 0.00001; TOPMed below 0.00001; gnomAD 0.00001.
gnomAD v4.1: 5 of 1,613,360 alleles (0.00031%); highest among the groups gnomAD compares: Non-Finnish European, 0.00042%; no homozygotes.

Submissions (2):

Labcorp Genetics (formerly Invitae), Labcorp
Classification: Uncertain significance for Autoimmune lymphoproliferative syndrome type 2A. Last evaluated: 2025-08-06. Review status: criteria provided, single submitter. Criteria: Invitae Variant Classification Sherloc (09022015). Collection method: clinical testing. Allele origin: germline.
Comment: This sequence change replaces alanine, which is neutral and non-polar, with threonine, which is neutral and polar, at codon 259 of the CASP10 protein (p.Ala259Thr). This variant is present in population databases (no rsID available, gnomAD 0.007%). This variant has not been reported in the literature in individuals affected with CASP10-related conditions. ClinVar contains an entry for this variant (Variation ID: 1439005). Invitae Evidence Modeling of protein sequence and biophysical properties (such as structural, functional, and spatial information, amino acid conservation, physicochemical variation, residue mobility, and thermodynamic stability) indicates that this missense variant is not expected to disrupt CASP10 protein function with a negative predictive value of 80%. In summary, the available evidence is currently insufficient to determine the role of this variant in disease. Therefore, it has been classified as a Variant of Uncertain Significance.

Ambry Genetics
Classification: Uncertain significance. Last evaluated: 2024-11-12. Review status: criteria provided, single submitter. Criteria: Ambry Variant Classification Scheme 2023. Collection method: clinical testing. Allele origin: germline.